The following is an entry in ClinVar:

ClinVar aggregate classification (germline): Uncertain significance (1 of 4 stars; one submission).

Submission:

GeneDx
Classification: Uncertain significance. Last evaluated: 2024-05-09. Review status: criteria provided, single submitter. Criteria: GeneDx Variant Classification Process June 2021. Collection method: clinical testing. Allele origin: germline. Affected: yes.
Comment: Not observed at significant frequency in large population cohorts (gnomAD); In silico analysis indicates that this missense variant does not alter protein structure/function; Has not been previously published as pathogenic or benign to our knowledge

NM_004606.5(TAF1):c.5209A>G (p.Asn1737Asp)

Gene: TAF1 (TATA-box binding protein associated factor 1; plus strand). Cytogenetic location: Xq13.1.
Variant type: single nucleotide variant.
Coding change: c.5209A>G on transcript NM_004606.5 (MANE Select); coding-DNA position 5209, A replaced by G.
Protein change: p.Asn1737Asp; replaces asparagine 1737 with aspartic acid.
Molecular consequence: missense variant. On other transcripts: non-coding transcript variant (9).
Genome position (GRCh38, 1-based): chrX:71,459,696, A>G. VCF-style: chrX-71459696-A-G. GRCh37 (hg19) VCF-style: chrX-70679546-A-G.
Other names: c.5215A>G, p.Asn1739Asp (NM_001286074.2); c.5146A>G, p.Asn1716Asp (NM_138923.4); short protein forms N1716D, N1737D, N1739D.
Identifiers: ClinVar variation 3375667 (VCV003375667.1).